The following is an entry in ClinVar:

ClinVar aggregate classification (germline): Pathogenic. Review status: criteria provided, multiple submitters, no conflicts (2 of 4 stars). 7 submissions from 7 submitters: Pathogenic (5). 2 of the submissions do not count toward it. Last evaluated 2026-01-12.

Conditions:
Curry-Hall syndrome (WAD). Also called: WEYERS ACRODENTAL DYSOSTOSIS. Identifiers: Orphanet 952, MedGen C0457013, MONDO:0008673, OMIM 193530.
Ellis-van Creveld syndrome (EVC). Also called: EVC2-Related Ellis-van Creveld Syndrome; EVC-Related Ellis-van Creveld Syndrome; MESOECTODERMAL DYSPLASIA; Chondroectodermal dysplasia. Identifiers: Orphanet 289, MedGen C0013903, MONDO:0009162, OMIM 225500.

Allele frequency attached by ClinVar (database versions not stated): gnomAD exomes 0.00001 and 0.00002; TOPMed 0.00001; ExAC 0.00003.

Submissions (7):

Labcorp Genetics (formerly Invitae), Labcorp
Classification: Pathogenic for Curry-Hall syndrome; Ellis-van Creveld syndrome. Last evaluated: 2026-01-12. Review status: criteria provided, single submitter. Criteria: Invitae Variant Classification Sherloc (09022015). Collection method: clinical testing. Allele origin: germline.
Comment: This sequence change creates a premature translational stop signal (p.Ser1220Argfs*3) in the EVC2 gene. While this is not anticipated to result in nonsense mediated decay, it is expected to disrupt the last 89 amino acid(s) of the EVC2 protein. This variant is present in population databases (rs753581033, gnomAD 0.009%). This premature translational stop signal has been observed in individuals with autosomal recessive Ellis-van Creveld syndrome (PMID: 12571802, 17024374, 19810119, 23220543). This variant is also known as c.3660delC. ClinVar contains an entry for this variant (Variation ID: 553833). Algorithms developed to predict the effect of sequence changes on RNA splicing suggest that this variant may disrupt the consensus splice site. For these reasons, this variant has been classified as Pathogenic.

ARUP Laboratories, Molecular Genetics and Genomics, ARUP Laboratories
Classification: Pathogenic. Last evaluated: 2024-11-11. Review status: criteria provided, single submitter. Criteria: ARUP Molecular Germline Variant Investigation Process 2024. Collection method: clinical testing. Allele origin: germline.
Comment: The EVC2 c.3660del; p.Ser1220ArgfsTer3 variant (rs753581033, ClinVar Variation ID: 553833) is reported in the literature in homozygous individuals and compound heterozygous individuals who also carry a pathogenic variant in trans affected with Ellis-van Creveld syndrome (Ruiz-Perez 2003, Tompsom 2007, Valencia 2009). This variant is only observed on five alleles in the Genome Aggregation Database (v2.1.1), indicating it is not a common polymorphism. This variant results in a premature termination codon in the last exon of the EVC2 gene. While this may not lead to nonsense-mediated decay, it is expected to create a truncated EVC2 protein. Additionally, downstream truncating variants have been described in individuals with Ellis-van Creveld syndrome and are considered pathogenic (Valencia 2009). Based on available information, this variant is considered to be pathogenic. References: Ruiz-Perez VL et al. Mutations in two nonhomologous genes in a head-to-head configuration cause Ellis-van Creveld syndrome. Am J Hum Genet. 2003 Mar;72(3):728-32. PMID: 12571802. Tompson SW et al. Sequencing EVC and EVC2 identifies mutations in two-thirds of Ellis-van Creveld syndrome patients. Hum Genet. 2007 Jan;120(5):663-70. PMID: 17024374. Valencia M et al. Widening the mutation spectrum of EVC and EVC2: ectopic expression of Weyer variants in NIH 3T3 fibroblasts disrupts Hedgehog signaling. Hum Mutat. 2009 Dec;30(12):1667-75. PMID: 19810119.

Women's Health and Genetics/Laboratory Corporation of America, LabCorp
Classification: Pathogenic for Ellis-van Creveld syndrome. Last evaluated: 2022-09-08. Review status: criteria provided, single submitter. Criteria: LabCorp Variant Classification Summary - May 2015. Collection method: clinical testing. Allele origin: germline.
Comment: Variant summary: EVC2 c.3660delC (p.Ser1220ArgfsX3) results in a premature termination codon, predicted to cause a truncation of the encoded protein or absence of the protein due to nonsense mediated decay, which are commonly known mechanisms for disease. Truncations downstream of this position have been classified as pathogenic in ClinVar database. The variant allele was found at a frequency of 2e-05 in 250124 control chromosomes (gnomAD). c.3660delC has been reported in the literature in multiple individuals affected with Ellis-Van Creveld Syndrome, including homozygotes (Ruiz-Perez_2003, Valencia_2009). These data indicate that the variant is very likely to be associated with disease. To our knowledge, no experimental evidence demonstrating an impact on protein function has been reported. Three ClinVar submitters (evaluation after 2014) cite the variant as pathogenic. Based on the evidence outlined above, the variant was classified as pathogenic.

Fulgent Genetics
Classification: Pathogenic for Curry-Hall syndrome; Ellis-van Creveld syndrome. Last evaluated: 2022-03-20. Review status: criteria provided, single submitter. Criteria: ACMG Guidelines, 2015. Collection method: clinical testing. Allele origin: unknown.

GeneDx
Classification: Pathogenic. Last evaluated: 2021-03-01. Review status: criteria provided, single submitter. Criteria: GeneDx Variant Classification Process June 2021. Collection method: clinical testing. Allele origin: germline. Affected: yes.
Comment: Frameshift variant in the C-terminus predicted to result in protein truncation, as the last 89 amino acids are lost and replaced with 2 incorrect amino acids (Stenson et al., 2014); Not observed at a significant frequency in large population cohorts (Lek et al., 2016); This variant is associated with the following publications: (PMID: 31589614, 19810119, 17024374, 12571802, 19876929, 23220543)

Counsyl
Classification: Pathogenic for Ellis-van Creveld syndrome. Last evaluated: 2017-09-13. Review status: no assertion criteria provided. Collection method: clinical testing. Allele origin: unknown. Not counted in ClinVar's aggregate classification.

OMIM
Classification: Pathogenic for ELLIS-VAN CREVELD SYNDROME. Last evaluated: 2003-03-01. Review status: no assertion criteria provided. Collection method: literature only. Allele origin: germline. Not counted in ClinVar's aggregate classification.

Literature cited by the submitters: PubMed 12571802 (cited by 3 submitters); PubMed 17024374 (cited by Labcorp Genetics (formerly Invitae), Labcorp); PubMed 19810119 (cited by 3 submitters); PubMed 23220543 (cited by Labcorp Genetics (formerly Invitae), Labcorp).

NM_147127.5(EVC2):c.3660del (p.Ser1220fs)

Gene: EVC2 (EvC ciliary complex subunit 2; minus strand). Cytogenetic location: 4p16.2.
Variant type: Deletion.
Coding change: c.3660del on transcript NM_147127.5 (MANE Select); coding-DNA position 3660, one base deleted (C; older notation c.3660delC).
Protein change: p.Ser1220fs; shifts the reading frame from serine 1220.
Molecular consequence: frameshift variant.
Genome position (GRCh38, 1-based): chr4:5,563,115, G deleted on the plus strand (C on the coding strand, the reverse complement: EVC2 is on the minus strand). VCF-style (leftmost placement, unchanged base first): chr4-5563114-TG-T. GRCh37 (hg19) VCF-style: chr4-5564841-TG-T.
Other names: AY185210.1:c.3660del; c.3660del (NM_147127.4); c.3420del, p.Ser1140fs (NM_001166136.2); short protein forms S1140fs, S1220fs.
Identifiers: ClinVar variation 553833 (VCV000553833.16), dbSNP rs753581033, ClinGen allele CA2834214.
Genomic context (GRCh38, chr4:5,563,114, plus strand): 5'-AACTTCCTTTTCCAGAGAATATCATCCTCTCTCTGAGAGGGAGACATGTCTTCTTTAATA[TG>T]CTAAAGAAATAGCAAAAGATCAAATTCAATATTTTTGGCAATGAACCCTCTGGAGTGTTC-3'